The following is an entry in ClinVar:

ClinVar aggregate classification (germline): Pathogenic/Likely pathogenic. Review status: criteria provided, multiple submitters, no conflicts (2 of 4 stars). 6 submissions from 6 submitters: Pathogenic (2); Likely pathogenic (4). Last evaluated 2026-03-20.

Conditions:
Familial multiple polyposis syndrome (FAP). Also called: Familial polyposis; Familial adenomatous polyposis; Familial intestinal polyposis; Classic familial adenomatous polyposis; Familial Adenomatous Polyposis (FAP). Identifiers: Orphanet 733, MedGen C0032580, MONDO:0021055. Disease mechanism: loss of function.
Familial adenomatous polyposis 1 (FAP1). Also called: FAMILIAL ADENOMATOUS POLYPOSIS 1, ATTENUATED; POLYPOSIS, ADENOMATOUS INTESTINAL. Identifiers: MedGen C2713442, MONDO:0021056, OMIM 175100. Disease mechanism: loss of function.
Hereditary cancer-predisposing syndrome. Also called: Neoplastic Syndromes, Hereditary; Hereditary Cancer Syndrome; Hereditary neoplastic syndrome; Tumor predisposition. Identifiers: Orphanet 140162, MedGen C0027672, MeSH D009386, MONDO:0015356.

Submissions (6):

Women's Health and Genetics/Laboratory Corporation of America, LabCorp
Classification: Likely pathogenic for Familial multiple polyposis syndrome. Last evaluated: 2026-03-20. Review status: criteria provided, single submitter. Criteria: LabCorp Variant Classification Summary - May 2015. Collection method: clinical testing. Allele origin: germline.
Comment: Variant summary: APC c.1743+1G>C is located in a canonical splice-site and is predicted to affect mRNA splicing resulting in a significantly altered protein due to either exon skipping, shortening, or inclusion of intronic material. Variants that disrupt the consensus splice site are a relatively common cause of aberrant splicing and loss of APC function. Several computational tools predict a significant impact on normal splicing: Four predict the variant abolishes a canonical 5' splicing donor site. However, these predictions have yet to be confirmed by functional studies. The variant was absent in 251164 control chromosomes. To our knowledge, no occurrence of c.1743+1G>C in individuals affected with APC-related conditions and no experimental evidence demonstrating its impact on protein function have been reported. ClinVar contains an entry for this variant (Variation ID: 1779228). Based on the evidence outlined above, the variant was classified as likely pathogenic.

Quest Diagnostics Nichols Institute San Juan Capistrano
Classification: Pathogenic. Last evaluated: 2025-08-12. Review status: criteria provided, single submitter. Criteria: Quest Diagnostics criteria. Collection method: clinical testing. Allele origin: unknown.
Comment: The APC c.1743+1G>C variant disrupts a canonical splice-donor site and interferes with normal APC mRNA splicing. This variant has not been reported in individuals with APC-related conditions in the published literature. This variant has not been reported in large, multi-ethnic general populations (Genome Aggregation Database). Based on the available information, this variant is classified as pathogenic.

Color Diagnostics, LLC DBA Color Health
Classification: Likely pathogenic for Hereditary cancer-predisposing syndrome. Last evaluated: 2025-06-03. Review status: criteria provided, single submitter. Criteria: ACMG Guidelines, 2015. Collection method: clinical testing. Allele origin: germline.
Comment: This variant causes a G to C nucleotide substitution at the +1 position of intron 14 of the APC gene. Splice site prediction tools predict that this variant may have a significant impact on RNA splicing. The mRNA transcript is predicted to be in-frame and is not expected to undergo nonsense-mediated decay. To our knowledge, RNA studies have not been reported for this variant in the literature. This variant has not been reported in individuals affected with APC-related disorders in the literature. Other variants at this splice site have been observed in familial adenomatous polyposis patients (PMID: 19029688). This variant has not been identified in the general population by the Genome Aggregation Database (gnomAD). Based on the available evidence, this variant is classified as Likely Pathogenic.

Ambry Genetics
Classification: Pathogenic for Hereditary cancer-predisposing syndrome. Last evaluated: 2024-04-29. Review status: criteria provided, single submitter. Criteria: Ambry Variant Classification Scheme 2023. Collection method: clinical testing. Allele origin: germline.
Comment: The c.1743+1G>C intronic pathogenic mutation results from a G to C substitution one nucleotide after coding exon 13 of the APC gene. Alterations that disrupt the canonical splice site are expected to cause aberrant splicing, resulting in an abnormal protein or a transcript that is subject to nonsense-mediated mRNA decay. This alteration has been observed in multiple individuals who has a personal or family history that is consistent with APC-associated disease (Ambry internal data). RNA studies have demonstrated that this alteration results in abnormal splicing in the set of samples tested (Ambry internal data). This variant is considered to be rare based on population cohorts in the Genome Aggregation Database (gnomAD). Based on the supporting evidence, this alteration is interpreted as a disease-causing mutation.

Myriad Genetics, Inc.
Classification: Likely pathogenic for Familial adenomatous polyposis 1. Last evaluated: 2023-05-03. Review status: criteria provided, single submitter. Criteria: Myriad Autosomal Dominant, Autosomal Recessive and X-Linked Classification Criteria (2023). Collection method: clinical testing. Allele origin: unknown.
Comment: This variant is considered likely pathogenic. This variant occurs within a consensus splice junction and is predicted to result in abnormal mRNA splicing of either an out-of-frame exon or an in-frame exon necessary for protein stability and/or normal function.

Labcorp Genetics (formerly Invitae), Labcorp
Classification: Likely pathogenic for Familial adenomatous polyposis 1. Last evaluated: 2023-01-09. Review status: criteria provided, single submitter. Criteria: Invitae Variant Classification Sherloc (09022015). Collection method: clinical testing. Allele origin: germline.
Comment: In summary, the currently available evidence indicates that the variant is pathogenic, but additional data are needed to prove that conclusively. Therefore, this variant has been classified as Likely Pathogenic. Algorithms developed to predict the effect of sequence changes on RNA splicing suggest that this variant may disrupt the consensus splice site. ClinVar contains an entry for this variant (Variation ID: 1779228). Disruption of this splice site has been observed in individual(s) with familial adenomatous polyposis (PMID: 19029688, 20685668). This variant is not present in population databases (gnomAD no frequency). This sequence change affects a donor splice site in intron 14 of the APC gene. It is expected to disrupt RNA splicing. Variants that disrupt the donor or acceptor splice site typically lead to a loss of protein function (PMID: 16199547), and loss-of-function variants in APC are known to be pathogenic (PMID: 17963004, 20685668).

Literature cited by the submitters: PubMed 19029688 (cited by Color Diagnostics, LLC DBA Color Health and Labcorp Genetics (formerly Invitae), Labcorp); PubMed 20685668 (cited by Labcorp Genetics (formerly Invitae), Labcorp); PubMed 16199547 (cited by Labcorp Genetics (formerly Invitae), Labcorp); PubMed 17963004 (cited by Labcorp Genetics (formerly Invitae), Labcorp).

NM_000038.6(APC):c.1743+1G>C

Gene: APC (APC regulator of Wnt signaling pathway; plus strand). Cytogenetic location: 5q22.2.
Variant type: single nucleotide variant.
Coding change: c.1743+1G>C on transcript NM_000038.6 (MANE Select); the canonical splice donor site of the intron after coding-DNA position 1743, G replaced by C.
Molecular consequence: splice donor variant.
Genome position (GRCh38, 1-based): chr5:112,828,973, G>C. VCF-style: chr5-112828973-G-C. GRCh37 (hg19) VCF-style: chr5-112164670-G-C.
Other names: c.1566+1G>C (NM_001354901.2, NM_001407453.1); c.1263+1G>C (NM_001354905.2); c.1494+1G>C (NM_001407455.1, NM_001407454.1, NM_001407456.1 and 1 more transcripts); c.1440+1G>C (NM_001407459.1, NM_001354903.2, NM_001407460.1 and 1 more transcripts); c.1722+1G>C (NM_001407451.1); c.1668+1G>C (NM_001354898.2); c.1365+1G>C (NM_001354904.2); c.894+1G>C (NM_001354906.2, NM_001407470.1); and 11 more.
Identifiers: ClinVar variation 1779228 (VCV001779228.11), dbSNP rs761458613, ClinGen allele CA360620720.